The following is an entry in ClinVar:

NM_022455.5(NSD1):c.1487A>G (p.Lys496Arg)

Gene: NSD1 (nuclear receptor binding SET domain protein 1; plus strand). Cytogenetic location: 5q35.3.
Variant type: single nucleotide variant.
Coding change: c.1487A>G on transcript NM_022455.5 (MANE Select); coding-DNA position 1487, A replaced by G.
Protein change: p.Lys496Arg; replaces lysine 496 with arginine.
Molecular consequence: missense variant.
Genome position (GRCh38, 1-based): chr5:177,209,886, A>G. VCF-style: chr5-177209886-A-G. GRCh37 (hg19) VCF-style: chr5-176636887-A-G.
Other names: c.614A>G, p.Lys205Arg (NM_001365684.2, NM_001409306.1, NM_001409307.1 and 3 more transcripts); c.1487A>G, p.Lys496Arg (NM_001409301.1, NM_001409302.1, NM_001409303.1); c.1067A>G, p.Lys356Arg (NM_001409304.1); c.734A>G, p.Lys245Arg (NM_001409305.1); short protein forms K205R, K356R, K496R, K227R, K245R.
Identifiers: ClinVar variation 2164765 (VCV002164765.4), dbSNP rs1763193760, ClinGen allele CA362309946.

ClinVar aggregate classification (germline): Uncertain significance (1 of 4 stars; one submission).

Allele frequency attached by ClinVar (database versions not stated): TOPMed below 0.00001.

Submission:

Labcorp Genetics (formerly Invitae), Labcorp
Classification: Uncertain significance. Last evaluated: 2022-03-30. Review status: criteria provided, single submitter. Criteria: Invitae Variant Classification Sherloc (09022015). Collection method: clinical testing. Allele origin: germline.
Comment: This variant is not present in population databases (gnomAD no frequency). In summary, the available evidence is currently insufficient to determine the role of this variant in disease. Therefore, it has been classified as a Variant of Uncertain Significance. Advanced modeling of protein sequence and biophysical properties (such as structural, functional, and spatial information, amino acid conservation, physicochemical variation, residue mobility, and thermodynamic stability) performed at Invitae indicates that this missense variant is not expected to disrupt NSD1 protein function. This variant has not been reported in the literature in individuals affected with NSD1-related conditions. This sequence change replaces lysine, which is basic and polar, with arginine, which is basic and polar, at codon 496 of the NSD1 protein (p.Lys496Arg).